The following is an entry in ClinVar:

NM_001127644.2(GABRA1):c.1261C>T (p.Arg421Ter)

Gene: GABRA1 (gamma-aminobutyric acid type A receptor subunit alpha1; plus strand). Cytogenetic location: 5q34.
Variant type: single nucleotide variant.
Coding change: c.1261C>T on transcript NM_001127644.2 (MANE Select); coding-DNA position 1261, C replaced by T.
Protein change: p.Arg421Ter; replaces arginine 421 with a stop codon.
Molecular consequence: nonsense.
Genome position (GRCh38, 1-based): chr5:161,897,312, C>T. VCF-style: chr5-161897312-C-T. GRCh37 (hg19) VCF-style: chr5-161324318-C-T.
Other names: c.1261C>T, p.Arg421Ter (NM_000806.5, NM_001127643.2, NM_001127645.2 and 1 more transcripts); short protein forms R421*.
Identifiers: ClinVar variation 2152579 (VCV002152579.4), dbSNP rs756295089, ClinGen allele CA362181105.

ClinVar aggregate classification (germline): Uncertain significance (1 of 4 stars; one submission).

Conditions:
Idiopathic generalized epilepsy. Also called: EIG; Generalised epilepsy. Identifiers: MedGen C0270850, MONDO:0005579, OMIM 600669.
Epilepsy, idiopathic generalized, susceptibility to, 13. Also called: EPILEPSY, JUVENILE MYOCLONIC, SUSCEPTIBILITY TO, 5. Identifiers: Orphanet 307, Orphanet 64280, MedGen C4013473, MONDO:0012627, OMIM 611136.
Epilepsy, childhood absence 4 (ECA4). Also called: EPILEPSY, CHILDHOOD ABSENCE, SUSCEPTIBILITY TO, 4. Identifiers: Orphanet 307, MedGen C1970160.

Submission:

Labcorp Genetics (formerly Invitae), Labcorp
Classification: Uncertain significance for Epilepsy, childhood absence 4; Epilepsy, idiopathic generalized, susceptibility to, 13; Idiopathic generalized epilepsy. Last evaluated: 2024-09-16. Review status: criteria provided, single submitter. Criteria: Invitae Variant Classification Sherloc (09022015). Collection method: clinical testing. Allele origin: germline.
Comment: This sequence change creates a premature translational stop signal (p.Arg421*) in the GABRA1 gene. While this is not anticipated to result in nonsense mediated decay, it is expected to disrupt the last 36 amino acid(s) of the GABRA1 protein. This variant is not present in population databases (gnomAD no frequency). This variant has not been reported in the literature in individuals affected with GABRA1-related conditions. ClinVar contains an entry for this variant (Variation ID: 2152579). Experimental studies and prediction algorithms are not available or were not evaluated, and the functional significance of this variant is currently unknown. In summary, the available evidence is currently insufficient to determine the role of this variant in disease. Therefore, it has been classified as a Variant of Uncertain Significance.